The following is an entry in ClinVar:

ClinVar aggregate classification (germline): Uncertain significance (1 of 4 stars; one submission).

Conditions:
Atrial standstill 1 (ATRST1). Also called: ATRIAL CARDIOMYOPATHY WITH HEART BLOCK; CARDIOMYOPATHY, FAMILIAL, WITH CONDUCTION DISTURBANCE; Atrial standstill, digenic (GJA5/SCN5A). Identifiers: Orphanet 1344, MedGen C4551959, MONDO:0007171, OMIM 108770.
Atrial fibrillation, familial, 11 (ATFB11). Identifiers: MedGen C3279693, MONDO:0013544, OMIM 614049.

Submission:

Labcorp Genetics (formerly Invitae), Labcorp
Classification: Uncertain significance for Atrial fibrillation, familial, 11; Atrial standstill 1. Last evaluated: 2023-02-06. Review status: criteria provided, single submitter. Criteria: Invitae Variant Classification Sherloc (09022015). Collection method: clinical testing. Allele origin: germline.
Comment: ClinVar contains an entry for this variant (Variation ID: 1386308). In summary, the available evidence is currently insufficient to determine the role of this variant in disease. Therefore, it has been classified as a Variant of Uncertain Significance. Advanced modeling of protein sequence and biophysical properties (such as structural, functional, and spatial information, amino acid conservation, physicochemical variation, residue mobility, and thermodynamic stability) performed at Invitae indicates that this missense variant is not expected to disrupt GJA5 protein function. This variant has not been reported in the literature in individuals affected with GJA5-related conditions. This variant is not present in population databases (gnomAD no frequency). This sequence change replaces leucine, which is neutral and non-polar, with isoleucine, which is neutral and non-polar, at codon 145 of the GJA5 protein (p.Leu145Ile).

NM_181703.4(GJA5):c.433C>A (p.Leu145Ile)

Gene: GJA5 (gap junction protein alpha 5; minus strand). Cytogenetic location: 1q21.2.
Variant type: single nucleotide variant.
Coding change: c.433C>A on transcript NM_181703.4 (MANE Select); coding-DNA position 433, C replaced by A.
Protein change: p.Leu145Ile; replaces leucine 145 with isoleucine.
Molecular consequence: missense variant.
Genome position (GRCh38, 1-based): chr1:147,758,806, G>T on the plus strand (C>A on the coding strand, the complement: GJA5 is on the minus strand). VCF-style: chr1-147758806-G-T. GRCh37 (hg19) VCF-style: chr1-147230914-G-T.
Other names: c.433C>A, p.Leu145Ile (NM_005266.7); short protein forms L145I.
Identifiers: ClinVar variation 1386308 (VCV001386308.6), dbSNP rs2148959187, ClinGen allele CA342396243.
Genomic context (GRCh38, chr1:147,758,806, plus strand): 5'-CCTCCATGGTGGTGCGGATCAGGATGCTGCACACATAGGTGTTGAGCAGAGTGCCCTGGA[G>T]GGCAATCCTTCCATTCCCTTCCTCCCAGCAGGACAGTTCTGCCTTCTCTGCCACCGGGTA-3'
Protein context (NP_859054.1, residues 135-155): CWEEGNGRIA[Leu145Ile]QGTLLNTYVC